The following is an entry in ClinVar:

NM_003737.4(DCHS1):c.8432C>T (p.Pro2811Leu)

Gene: DCHS1 (dachsous cadherin-related 1; minus strand). Cytogenetic location: 11p15.4.
Variant type: single nucleotide variant.
Coding change: c.8432C>T on transcript NM_003737.4 (MANE Select); coding-DNA position 8432, C replaced by T.
Protein change: p.Pro2811Leu; replaces proline 2811 with leucine.
Molecular consequence: missense variant.
Genome position (GRCh38, 1-based): chr11:6,623,244, G>A on the plus strand (C>T on the coding strand, the complement: DCHS1 is on the minus strand). VCF-style: chr11-6623244-G-A. GRCh37 (hg19) VCF-style: chr11-6644475-G-A.
Other names: c.8432C>T (NM_003737.3); short protein forms P2811L.
Identifiers: ClinVar variation 3656865 (VCV003656865.3).

ClinVar aggregate classification (germline): Uncertain significance. Review status: criteria provided, multiple submitters, no conflicts (2 of 4 stars). 2 submissions from 2 submitters: Uncertain significance (2). Last evaluated 2025-01-24.

Submissions (2):

GeneDx
Classification: Uncertain significance. Last evaluated: 2025-01-24. Review status: criteria provided, single submitter. Criteria: GeneDx Variant Classification Process June 2021. Collection method: clinical testing. Allele origin: germline. Affected: yes.
Comment: Not observed at significant frequency in large population cohorts (gnomAD); In silico analysis supports that this missense variant has a deleterious effect on protein structure/function; Has not been previously published as pathogenic or benign to our knowledge

Labcorp Genetics (formerly Invitae), Labcorp
Classification: Uncertain significance. Last evaluated: 2024-08-06. Review status: criteria provided, single submitter. Criteria: Invitae Variant Classification Sherloc (09022015). Collection method: clinical testing. Allele origin: germline.
Comment: This sequence change replaces proline, which is neutral and non-polar, with leucine, which is neutral and non-polar, at codon 2811 of the DCHS1 protein (p.Pro2811Leu). This variant is not present in population databases (gnomAD no frequency). This variant has not been reported in the literature in individuals affected with DCHS1-related conditions. Advanced modeling of protein sequence and biophysical properties (such as structural, functional, and spatial information, amino acid conservation, physicochemical variation, residue mobility, and thermodynamic stability) performed at Invitae indicates that this missense variant is expected to disrupt DCHS1 protein function with a positive predictive value of 80%. In summary, the available evidence is currently insufficient to determine the role of this variant in disease. Therefore, it has been classified as a Variant of Uncertain Significance.